The following is an entry in ClinVar:

NM_001127222.2(CACNA1A):c.3553+3G>T

Gene: CACNA1A (calcium voltage-gated channel subunit alpha1 A; minus strand). Cytogenetic location: 19p13.13.
Variant type: single nucleotide variant.
Coding change: c.3553+3G>T on transcript NM_001127222.2 (MANE Select); 3 bases into the intron after coding-DNA position 3553, G replaced by T.
Molecular consequence: intron variant.
Genome position (GRCh38, 1-based): chr19:13,286,500, C>A on the plus strand (G>T on the coding strand, the complement: CACNA1A is on the minus strand). VCF-style: chr19-13286500-C-A. GRCh37 (hg19) VCF-style: chr19-13397314-C-A.
Other names: c.3556+3G>T (NM_001127221.2, NM_001174080.2); c.3565+3G>T (NM_000068.4, NM_023035.3).
Identifiers: ClinVar variation 373744 (VCV000373744.1), dbSNP rs1057518586, ClinGen allele CA16043173.

ClinVar aggregate classification (germline): Uncertain significance (1 of 4 stars; one submission).

Allele frequency attached by ClinVar (database versions not stated): gnomAD exomes below 0.00001.
gnomAD v4.1: 2 of 1,395,696 alleles (0.00014%); highest among the groups gnomAD compares: South Asian, 0.0029%; no homozygotes.

Submission:

GeneDx
Classification: Uncertain significance. Last evaluated: 2016-12-06. Review status: criteria provided, single submitter. Criteria: GeneDx Variant Classification (06012015). Collection method: clinical testing. Allele origin: germline. Affected: yes.
Comment: The c.3556+3 G>T variant has not been published as a pathogenic variant, nor has it been reported as a benign variant to our knowledge. The c.3556+3 G>T variant is not observed in large population cohorts (Lek et al., 2016; 1000 Genomes Consortium et al., 2015; Exome Variant Server). Several in-silico splice prediction models predict that c.3556+3 G>T may reduce the natural donor site of intron 20 and lead to abnormal gene splicing. However, in the absence of RNA/functional studies, the actual effect of this sequence change in this individual is unknown. Therefore, based on the currently available information, it is unclear whether this variant is a pathogenic variant or a rare benign variant.